The following is an entry in ClinVar:

ClinVar aggregate classification (germline): Likely benign. Review status: criteria provided, multiple submitters, no conflicts (2 of 4 stars). 2 submissions from 2 submitters: Likely benign (2). Last evaluated 2025-07-10.

Conditions:
UNC80-related disorder. Also called: UNC80-related condition.

Allele frequency attached by ClinVar (database versions not stated): TOPMed below 0.00001; gnomAD 0.00001 and 0.00002; gnomAD exomes 0.00001 and 0.00002; ExAC 0.00005; 1000 Genomes Project 30x 0.00016; 1000 Genomes Project 0.00020.
gnomAD v4.1: 7 of 1,540,562 alleles (0.00045%); highest among the groups gnomAD compares: East Asian, 0.015%; no homozygotes.

Submissions (2):

PreventionGenetics, part of Exact Sciences
Classification: Likely benign for UNC80-related condition. Last evaluated: 2025-07-10. Review status: criteria provided, single submitter. Criteria: ACMG Guidelines, 2015. Collection method: clinical testing. Allele origin: germline.
Comment: This variant is classified as likely benign based on ACMG/AMP sequence variant interpretation guidelines (Richards et al. 2015 PMID: 25741868, with internal and published modifications).

Labcorp Genetics (formerly Invitae), Labcorp
Classification: Likely benign. Last evaluated: 2025-03-17. Review status: criteria provided, single submitter. Criteria: Invitae Variant Classification Sherloc (09022015). Collection method: clinical testing. Allele origin: germline.

NM_001371986.1(UNC80):c.6705G>A (p.Leu2235=)

Gene: UNC80 (unc-80 subunit of NALCN channel complex; plus strand). Cytogenetic location: 2q34.
Variant type: single nucleotide variant.
Coding change: c.6705G>A on transcript NM_001371986.1 (MANE Select); coding-DNA position 6705, G replaced by A.
Protein change: p.Leu2235=; no amino-acid change (leucine 2235 retained).
Molecular consequence: synonymous variant.
Genome position (GRCh38, 1-based): chr2:209,941,279, G>A. VCF-style: chr2-209941279-G-A. GRCh37 (hg19) VCF-style: chr2-210806003-G-A.
Other names: c.6507G>A, p.Leu2169= (NM_032504.2); c.6492G>A, p.Leu2164= (NM_182587.4); c.6507G>A (NM_032504.1).
Identifiers: ClinVar variation 1667294 (VCV001667294.9), dbSNP rs542435861, ClinGen allele CA2083404.